The following is an entry in ClinVar:

NM_006514.4(SCN10A):c.4016G>A (p.Gly1339Asp)

Gene: SCN10A (sodium voltage-gated channel alpha subunit 10; minus strand). Cytogenetic location: 3p22.2.
Variant type: single nucleotide variant.
Coding change: c.4016G>A on transcript NM_006514.4 (MANE Select); coding-DNA position 4016, G replaced by A.
Protein change: p.Gly1339Asp; replaces glycine 1339 with aspartic acid.
Molecular consequence: missense variant.
Genome position (GRCh38, 1-based): chr3:38,712,234, C>T on the plus strand (G>A on the coding strand, the complement: SCN10A is on the minus strand). VCF-style: chr3-38712234-C-T. GRCh37 (hg19) VCF-style: chr3-38753725-C-T.
Other names: c.4013G>A, p.Gly1338Asp (NM_001293306.2); c.3722G>A, p.Gly1241Asp (NM_001293307.2); short protein forms G1241D, G1338D, G1339D.
Identifiers: ClinVar variation 4864107 (VCV004864107.1).
Genomic context (GRCh38, chr3:38,712,234, plus strand): 5'-GCAAGGTAACCCATTGCAACATTATCAAAGTTGACTTTCACATTGACCCAGAAGAAGCTG[C>T]CAGTGGAGTTTTGAATCTTGCAGTCAGACTTGTTATTCACAATCGACAAAGGTACAAGGG-3'
Protein context (NP_006505.4, residues 1329-1349): KSDCKIQNST[Gly1339Asp]SFFWVNVKVN

ClinVar aggregate classification (germline): Uncertain significance (1 of 4 stars; one submission).

Conditions:
Cardiovascular phenotype. Identifiers: MedGen CN230736.

Submission:

Ambry Genetics
Classification: Uncertain significance for Cardiovascular phenotype. Last evaluated: 2026-05-14. Review status: criteria provided, single submitter. Criteria: Ambry Variant Classification Scheme 2023. Collection method: clinical testing. Allele origin: germline.
Comment: The p.G1339D variant (also known as c.4016G>A), located in coding exon 22 of the SCN10A gene, results from a G to A substitution at nucleotide position 4016. The glycine at codon 1339 is replaced by aspartic acid, an amino acid with similar properties. This amino acid position is conserved. In addition, this alteration is predicted to be tolerated by in silico analysis. Based on the available evidence, the clinical significance of this variant remains unclear.